The following is an entry in ClinVar:

ClinVar aggregate classification (germline): Benign/Likely benign. Review status: criteria provided, multiple submitters, no conflicts (2 of 4 stars). 3 submissions from 3 submitters: Benign (1); Likely benign (2). Last evaluated 2025-08-25.

Conditions:
Papillary renal cell carcinoma type 1 (RCCP1). Also called: RENAL CELL CARCINOMA, PAPILLARY, 1, SOMATIC; Renal adenocarcinoma; Renal cell carcinoma 1; Renal cell carcinoma, somatic. Identifiers: Orphanet 47044, MedGen C1336839, OMIM 605074, HP:0011797.
Renal cell carcinoma. Identifiers: Orphanet 217071, MedGen C0007134, MeSH D002292, MONDO:0005086, HP:0005584.
Hereditary cancer-predisposing syndrome. Also called: Neoplastic Syndromes, Hereditary; Hereditary neoplastic syndrome; Tumor predisposition; Hereditary Cancer Syndrome. Identifiers: Orphanet 140162, MedGen C0027672, MeSH D009386, MONDO:0015356.

Allele frequency attached by ClinVar (database versions not stated): gnomAD exomes below 0.00001.
gnomAD v4.1: 1 of 1,613,344 alleles (0.000062%); highest among the groups gnomAD compares: Non-Finnish European, 0.000085%; no homozygotes.

Submissions (3):

Labcorp Genetics (formerly Invitae), Labcorp
Classification: Likely benign for Renal cell carcinoma. Last evaluated: 2025-08-25. Review status: criteria provided, single submitter. Criteria: Invitae Variant Classification Sherloc (09022015). Collection method: clinical testing. Allele origin: germline.

Myriad Genetics, Inc.
Classification: Benign for Papillary renal cell carcinoma type 1. Last evaluated: 2024-11-07. Review status: criteria provided, single submitter. Criteria: Myriad Autosomal Dominant, Autosomal Recessive and X-Linked Classification Criteria (2023). Collection method: clinical testing. Allele origin: unknown.
Comment: This variant is considered benign. This variant is a silent/synonymous amino acid change and it is not expected to impact splicing.

Ambry Genetics
Classification: Likely benign for Hereditary cancer-predisposing syndrome. Last evaluated: 2021-01-20. Review status: criteria provided, single submitter. Criteria: Ambry Variant Classification Scheme 2023. Collection method: clinical testing. Allele origin: germline.

NM_000245.4(MET):c.1665A>G (p.Thr555=)

Gene: MET (MET proto-oncogene, receptor tyrosine kinase; plus strand). Cytogenetic location: 7q31.2.
Variant type: single nucleotide variant.
Coding change: c.1665A>G on transcript NM_000245.4 (MANE Select); coding-DNA position 1665, A replaced by G.
Protein change: p.Thr555=; no amino-acid change (threonine 555 retained).
Molecular consequence: synonymous variant.
Genome position (GRCh38, 1-based): chr7:116,740,989, A>G. VCF-style: chr7-116740989-A-G. GRCh37 (hg19) VCF-style: chr7-116381043-A-G.
Other names: c.1665A>G, p.Thr555= (NM_001127500.3, NM_001324401.3); c.375A>G, p.Thr125= (NM_001324402.2).
Identifiers: ClinVar variation 524913 (VCV000524913.14), dbSNP rs1554391336, ClinGen allele CA457215639.
Genomic context (GRCh38, chr7:116,740,989, plus strand): 5'-TGTTCAGTGTGGCTGGTGCCACGACAAATGTGTGCGATCGGAGGAATGCCTGAGCGGGAC[A>G]TGGACTCAACAGATCTGTCTGCCTGCAATCTACAAGGTAGGAATCTCTAACAGCTGGCAT-3'
Protein context (NP_000236.2, residues 545-565): CVRSEECLSG[Thr555=]WTQQICLPAI